The following is an entry in ClinVar:

ClinVar aggregate classification (germline): Benign. Review status: criteria provided, multiple submitters, no conflicts (2 of 4 stars). 5 submissions from 5 submitters: Benign (5). Last evaluated 2026-02-04.

Conditions:
Immunodeficiency 39 (IMD39). Identifiers: Orphanet 574918, MedGen C4225358, MONDO:0014597, OMIM 616345.

Allele frequency attached by ClinVar (database versions not stated): ESP Exome Variant Server 0.34421; 1000 Genomes Project 30x 0.28560; TOPMed 0.34549; 1000 Genomes Project 0.29852.
gnomAD v4.1: 435,643 of 1,607,992 alleles (27%); highest among the groups gnomAD compares: African/African-American, 52%; 64,358 homozygotes.

Submissions (5):

Labcorp Genetics (formerly Invitae), Labcorp
Classification: Benign for Immunodeficiency 39. Last evaluated: 2026-02-04. Review status: criteria provided, single submitter. Criteria: Invitae Variant Classification Sherloc (09022015). Collection method: clinical testing. Allele origin: germline.

Unidad de Genómica Garrahan, Hospital de Pediatría Garrahan
Classification: Benign. Last evaluated: 2024-01-24. Review status: criteria provided, single submitter. Criteria: ACMG Guidelines, 2015. Collection method: clinical testing. Allele origin: germline. Affected: no. Observed: 56 variant alleles.
Comment: This variant is classified as Benign based on local population frequency. This variant was detected in 59% of patients studied by a panel of primary immunodeficiencies. Number of patients: 56. Only high quality variants are reported.

Mayo Clinic Laboratories, Mayo Clinic
Classification: Benign. Last evaluated: 2022-09-06. Review status: criteria provided, single submitter. Criteria: ACMG Guidelines, 2015. Collection method: clinical testing. Allele origin: germline. Observed: 3 variant alleles.

Genome-Nilou Lab
Classification: Benign for Immunodeficiency 39. Last evaluated: 2021-07-14. Review status: criteria provided, single submitter. Criteria: ACMG Guidelines, 2015. Collection method: clinical testing. Allele origin: germline. Affected: no.

Breakthrough Genomics
Classification: Benign. Review status: criteria provided, single submitter. Criteria: ACMG Guidelines, 2015. Collection method: not provided. Allele origin: germline. Inheritance: Autosomal recessive inheritance. Affected: yes.

NM_001572.5(IRF7):c.1146A>C (p.Gly382=)

Gene: IRF7 (interferon regulatory factor 7; minus strand). Cytogenetic location: 11p15.5.
Variant type: single nucleotide variant.
Coding change: c.1146A>C on transcript NM_001572.5 (MANE Select); coding-DNA position 1146, A replaced by C.
Protein change: p.Gly382=; no amino-acid change (glycine 382 retained).
Molecular consequence: synonymous variant.
Genome position (GRCh38, 1-based): chr11:613,297, T>G on the plus strand (A>C on the coding strand, the complement: IRF7 is on the minus strand). VCF-style: chr11-613297-T-G. GRCh37 (hg19) VCF-style: chr11-613297-T-G.
Other names: p.Gly395=; c.1059A>C, p.Gly353= (NM_004029.4); c.1185A>C, p.Gly395= (NM_004031.4); c.1185A>C (NM_004031.2).
Identifiers: ClinVar variation 1170387 (VCV001170387.16), dbSNP rs1061505, ClinGen allele CA5783570.